The following is an entry in ClinVar:

NM_025137.4(SPG11):c.7290C>A (p.Asp2430Glu)

Gene: SPG11 (SPG11 vesicle trafficking associated, spatacsin; minus strand). Cytogenetic location: 15q21.1.
Variant type: single nucleotide variant.
Coding change: c.7290C>A on transcript NM_025137.4 (MANE Select); coding-DNA position 7290, C replaced by A.
Protein change: p.Asp2430Glu; replaces aspartic acid 2430 with glutamic acid.
Molecular consequence: missense variant.
Genome position (GRCh38, 1-based): chr15:44,563,163, G>T on the plus strand (C>A on the coding strand, the complement: SPG11 is on the minus strand). VCF-style: chr15-44563163-G-T. GRCh37 (hg19) VCF-style: chr15-44855361-G-T.
Other names: c.6951C>A, p.Asp2317Glu (NM_001160227.2); c.7146C>A, p.Asp2382Glu (NM_001411132.1); short protein forms D2317E, D2382E, D2430E.
Identifiers: ClinVar variation 4687524 (VCV004687524.1).

ClinVar aggregate classification (germline): Uncertain significance (1 of 4 stars; one submission).

Submission:

Women's Health and Genetics/Laboratory Corporation of America, LabCorp
Classification: Uncertain significance. Last evaluated: 2025-10-07. Review status: criteria provided, single submitter. Criteria: LabCorp Variant Classification Summary - May 2015. Collection method: clinical testing. Allele origin: germline.
Comment: Variant summary: SPG11 c.7290C>A (p.Asp2430Glu) results in a conservative amino acid change in the encoded protein sequence. Algorithms developed to predict the effect of missense changes on protein structure and function are either unavailable or do not agree on the potential impact of this missense change. The variant was absent in 251392 control chromosomes. The available data on variant occurrences in the general population are insufficient to allow any conclusion about variant significance. To our knowledge, no occurrence of c.7290C>A in individuals affected with SPG11-related conditions and no experimental evidence demonstrating its impact on protein function have been reported. No submitters have cited clinical-significance assessments for this variant to ClinVar. Based on the evidence outlined above, the variant was classified as uncertain significance.